The following is an entry in ClinVar:

NM_003924.4(PHOX2B):c.477A>G (p.Ala159=)

Gene: PHOX2B (paired like homeobox 2B; minus strand). Cytogenetic location: 4p13.
Variant type: single nucleotide variant.
Coding change: c.477A>G on transcript NM_003924.4 (MANE Select); coding-DNA position 477, A replaced by G.
Protein change: p.Ala159=; no amino-acid change (alanine 159 retained).
Molecular consequence: synonymous variant.
Genome position (GRCh38, 1-based): chr4:41,746,275, T>C on the plus strand (A>G on the coding strand, the complement: PHOX2B is on the minus strand). VCF-style: chr4-41746275-T-C. GRCh37 (hg19) VCF-style: chr4-41748292-T-C.
Identifiers: ClinVar variation 4084802 (VCV004084802.8).

ClinVar aggregate classification (germline): Likely benign (1 of 4 stars; one submission).

Submission:

CeGaT Center for Human Genetics Tuebingen
Classification: Likely benign. Last evaluated: 2025-08-01. Review status: criteria provided, single submitter. Criteria: CeGaT Center For Human Genetics Tuebingen Variant Classification Criteria Version 2. Collection method: clinical testing. Allele origin: germline. Affected: yes. Observed: 1 variant allele.
Comment: PHOX2B: PM2:Supporting, BP4, BP7